The following is an entry in ClinVar:

NM_201548.5(CERKL):c.135G>A (p.Arg45=)

Gene: CERKL (CERK like autophagy regulator; minus strand). Cytogenetic location: 2q31.3.
Variant type: single nucleotide variant.
Coding change: c.135G>A on transcript NM_201548.5 (MANE Select); coding-DNA position 135, G replaced by A.
Protein change: p.Arg45=; no amino-acid change (arginine 45 retained).
Molecular consequence: synonymous variant. On other transcripts: non-coding transcript variant (2).
Genome position (GRCh38, 1-based): chr2:181,656,872, C>T on the plus strand (G>A on the coding strand, the complement: CERKL is on the minus strand). VCF-style: chr2-181656872-C-T. GRCh37 (hg19) VCF-style: chr2-182521599-C-T.
Other names: c.135G>A (NM_001030311.2); c.135G>A, p.Arg45= (NM_001030311.3, NM_001030312.3, NM_001030313.3 and 1 more transcripts).
Identifiers: ClinVar variation 1099381 (VCV001099381.10), dbSNP rs1443342562, ClinGen allele CA430408560.

ClinVar aggregate classification (germline): Likely benign. Review status: criteria provided, multiple submitters, no conflicts (2 of 4 stars). 2 submissions from 2 submitters: Likely benign (2). Last evaluated 2025-09-22.

Conditions:
CERKL-related disorder. Also called: CERKL-related condition.

Allele frequency attached by ClinVar (database versions not stated): gnomAD exomes 0.00001; TOPMed 0.00003; gnomAD 0.00004.
gnomAD v4.1: 26 of 1,604,934 alleles (0.0016%); highest among the groups gnomAD compares: Non-Finnish European, 0.0022%; no homozygotes.

Submissions (2):

Labcorp Genetics (formerly Invitae), Labcorp
Classification: Likely benign. Last evaluated: 2025-09-22. Review status: criteria provided, single submitter. Criteria: Invitae Variant Classification Sherloc (09022015). Collection method: clinical testing. Allele origin: germline.

PreventionGenetics, part of Exact Sciences
Classification: Likely benign for CERKL-related condition. Last evaluated: 2025-09-14. Review status: criteria provided, single submitter. Criteria: ACMG Guidelines, 2015. Collection method: clinical testing. Allele origin: germline.
Comment: This variant is classified as likely benign based on ACMG/AMP sequence variant interpretation guidelines (Richards et al. 2015 PMID: 25741868, with internal and published modifications).